The following is an entry in ClinVar:

NM_003072.5(SMARCA4):c.800G>A (p.Gly267Asp)

Gene: SMARCA4 (SWI/SNF related BAF chromatin remodeling complex subunit ATPase 4; plus strand). Cytogenetic location: 19p13.2.
Variant type: single nucleotide variant.
Coding change: c.800G>A on transcript NM_003072.5 (MANE Select); coding-DNA position 800, G replaced by A.
Protein change: p.Gly267Asp; replaces glycine 267 with aspartic acid.
Molecular consequence: missense variant. On other transcripts: non-coding transcript variant (1).
Genome position (GRCh38, 1-based): chr19:10,986,944, G>A. VCF-style: chr19-10986944-G-A. GRCh37 (hg19) VCF-style: chr19-11097620-G-A.
Other names: c.800G>A, p.Gly267Asp (NM_001128844.3, NM_001128845.2, NM_001128846.2 and 5 more transcripts); short protein forms G267D.
Identifiers: ClinVar variation 480593 (VCV000480593.20), dbSNP rs746986969, ClinGen allele CA9203583.

ClinVar aggregate classification (germline): Uncertain significance. Review status: criteria provided, multiple submitters, no conflicts (2 of 4 stars). 5 submissions from 5 submitters: Uncertain significance (5). Last evaluated 2026-01-06.

Conditions:
Hereditary cancer-predisposing syndrome. Also called: Hereditary Cancer Syndrome; Neoplastic Syndromes, Hereditary; Tumor predisposition; Hereditary neoplastic syndrome. Identifiers: Orphanet 140162, MedGen C0027672, MeSH D009386, MONDO:0015356.
Intellectual disability, autosomal dominant 16 (CSS4). Also called: COFFIN-SIRIS SYNDROME 4. Identifiers: Orphanet 1465, MedGen C3553249, MONDO:0013821, OMIM 614609.
Rhabdoid tumor predisposition syndrome 2 (RTPS2). Identifiers: Orphanet 231108, Orphanet 69077, MedGen C2750074, MONDO:0013224, OMIM 613325.

Allele frequency attached by ClinVar (database versions not stated): gnomAD exomes below 0.00001; ExAC 0.00001.
gnomAD v4.1: 4 of 1,611,856 alleles (0.00025%); highest among the groups gnomAD compares: Non-Finnish European, 0.00034%; no homozygotes.

Submissions (5):

Labcorp Genetics (formerly Invitae), Labcorp
Classification: Uncertain significance for Rhabdoid tumor predisposition syndrome 2. Last evaluated: 2026-01-06. Review status: criteria provided, single submitter. Criteria: Invitae Variant Classification Sherloc (09022015). Collection method: clinical testing. Allele origin: germline.
Comment: This sequence change replaces glycine, which is neutral and non-polar, with aspartic acid, which is acidic and polar, at codon 267 of the SMARCA4 protein (p.Gly267Asp). This variant is not present in population databases (gnomAD no frequency). This missense change has been observed in individual(s) with neurodevelopmental disorders (PMID: 37500730). ClinVar contains an entry for this variant (Variation ID: 480593). An algorithm developed to predict the effect of missense changes on protein structure and function (PolyPhen-2) suggests that this variant is likely to be disruptive. In summary, the available evidence is currently insufficient to determine the role of this variant in disease. Therefore, it has been classified as a Variant of Uncertain Significance.

Ambry Genetics
Classification: Uncertain significance for Hereditary cancer-predisposing syndrome. Last evaluated: 2025-04-22. Review status: criteria provided, single submitter. Criteria: Ambry Variant Classification Scheme 2023. Collection method: clinical testing. Allele origin: germline.
Comment: The p.G267D variant (also known as c.800G>A), located in coding exon 4 of the SMARCA4 gene, results from a G to A substitution at nucleotide position 800. The glycine at codon 267 is replaced by aspartic acid, an amino acid with similar properties. This variant has been detected in multiple individuals with no reported features of Coffin-Siris syndrome (Ambry internal data). This amino acid position is highly conserved in available vertebrate species. In addition, this alteration is predicted to be deleterious by in silico analysis. Based on the supporting evidence, the association of this alteration with rhabdoid tumor predisposition syndrome is unknown; however, the association of this alteration with Coffin-Siris syndrome is unlikely.

Baylor Genetics
Classification: Uncertain significance for Rhabdoid tumor predisposition syndrome 2. Last evaluated: 2023-11-16. Review status: criteria provided, single submitter. Criteria: ACMG Guidelines, 2015. Collection method: clinical testing. Allele origin: unknown.

GeneDx
Classification: Uncertain significance. Last evaluated: 2023-08-29. Review status: criteria provided, single submitter. Criteria: GeneDx Variant Classification Process June 2021. Collection method: clinical testing. Allele origin: germline. Affected: yes.
Comment: In silico analysis supports that this missense variant does not alter protein structure/function; Has not been previously published as pathogenic or benign to our knowledge

Genome-Nilou Lab
Classification: Uncertain significance for Intellectual disability, autosomal dominant 16. Last evaluated: 2021-07-15. Review status: criteria provided, single submitter. Criteria: ACMG Guidelines, 2015. Collection method: clinical testing. Allele origin: germline. Affected: no.

Literature cited by the submitters: PubMed 37500730 (cited by Labcorp Genetics (formerly Invitae), Labcorp).